The following is an entry in ClinVar:

NM_000709.4(BCKDHA):c.137C>A (p.Ser46Ter)

Gene: BCKDHA (branched chain keto acid dehydrogenase E1 subunit alpha; plus strand). Cytogenetic location: 19q13.2.
Variant type: single nucleotide variant.
Coding change: c.137C>A on transcript NM_000709.4 (MANE Select); coding-DNA position 137, C replaced by A.
Protein change: p.Ser46Ter; replaces serine 46 with a stop codon.
Molecular consequence: nonsense.
Genome position (GRCh38, 1-based): chr19:41,410,665, C>A. VCF-style: chr19-41410665-C-A. GRCh37 (hg19) VCF-style: chr19-41916570-C-A.
Other names: c.137C>A, p.Ser46Ter (NM_001164783.2); short protein forms S46*.
Identifiers: ClinVar variation 370729 (VCV000370729.15), dbSNP rs376456598, ClinGen allele CA9461009.

ClinVar aggregate classification (germline): Pathogenic/Likely pathogenic. Review status: criteria provided, multiple submitters, no conflicts (2 of 4 stars). 6 submissions from 6 submitters: Pathogenic (3); Likely pathogenic (2). 1 of the submissions does not count toward it. Last evaluated 2026-01-19.

Conditions:
Maple syrup urine disease type 1A (MSUD1A). Also called: MSUD type 1A. Identifiers: MedGen C1855369, MONDO:0023691, OMIM 248600.
Maple syrup urine disease (MSUD). Identifiers: Orphanet 511, MedGen C0024776, MeSH D008375, MONDO:0009563. Disease mechanism: loss of function.

Allele frequency attached by ClinVar (database versions not stated): ExAC 0.00001; gnomAD exomes 0.00001; gnomAD 0.00003; TOPMed 0.00005; ESP Exome Variant Server 0.00008.
gnomAD v4.1: 15 of 1,614,088 alleles (0.00093%); highest among the groups gnomAD compares: Admixed American, 0.0033%; no homozygotes.

Submissions (6):

Labcorp Genetics (formerly Invitae), Labcorp
Classification: Pathogenic for Maple syrup urine disease. Last evaluated: 2026-01-19. Review status: criteria provided, single submitter. Criteria: Invitae Variant Classification Sherloc (09022015). Collection method: clinical testing. Allele origin: germline.
Comment: This sequence change creates a premature translational stop signal (p.Ser46*) in the BCKDHA gene. It is expected to result in an absent or disrupted protein product. Loss-of-function variants in BCKDHA are known to be pathogenic (PMID: 16786533, 22593002). This variant is present in population databases (rs376456598, gnomAD 0.003%). This variant has not been reported in the literature in individuals affected with BCKDHA-related conditions. ClinVar contains an entry for this variant (Variation ID: 370729). For these reasons, this variant has been classified as Pathogenic.

Natera, Inc.
Classification: Likely pathogenic for Maple syrup urine disease type 1A. Last evaluated: 2025-10-11. Review status: criteria provided, single submitter. Criteria: Natera Variant Classification Schema (03/2026). Collection method: clinical testing. Allele origin: germline.
Comment: The c.137C>A variant in BCKDHA is a nonsense variant predicted to introduce a stop codon at amino acid 46. This variant is expected to result in nonsense mediated decay, truncation, or a dysfunctional protein product. This variant is rare in the general population with a frequency below the threshold expected for the associated phenotype(s). Given the available evidence, this variant is classified as Likely Pathogenic.

Fulgent Genetics
Classification: Likely pathogenic for Maple syrup urine disease type 1A. Last evaluated: 2024-06-11. Review status: criteria provided, single submitter. Criteria: ACMG Guidelines, 2015. Collection method: clinical testing. Allele origin: germline.

Baylor Genetics
Classification: Pathogenic for Maple syrup urine disease type 1A. Last evaluated: 2023-12-02. Review status: criteria provided, single submitter. Criteria: ACMG Guidelines, 2015. Collection method: clinical testing. Allele origin: unknown.

Genome-Nilou Lab
Classification: Pathogenic for Maple syrup urine disease type 1A. Last evaluated: 2021-11-07. Review status: criteria provided, single submitter. Criteria: ACMG Guidelines, 2015. Collection method: clinical testing. Allele origin: germline. Affected: no.

Counsyl
Classification: Likely pathogenic for Maple syrup urine disease type 1A. Last evaluated: 2016-07-22. Review status: no assertion criteria provided. Collection method: clinical testing. Allele origin: unknown. Not counted in ClinVar's aggregate classification.

Literature cited by the submitters: PubMed 16786533 (cited by Labcorp Genetics (formerly Invitae), Labcorp); PubMed 22593002 (cited by Labcorp Genetics (formerly Invitae), Labcorp).